The following is an entry in ClinVar:

ClinVar aggregate classification (germline): Benign. Review status: criteria provided, single submitter (1 of 4 stars). 2 submissions from 2 submitters: Benign (1). 1 of the submissions does not count toward it. Last evaluated 2025-11-03.

Conditions:
LZTS1-related disorder. Also called: LZTS1-related condition.

Allele frequency attached by ClinVar (database versions not stated): gnomAD exomes 0.00010; ExAC 0.00012; 1000 Genomes Project 30x 0.00016; 1000 Genomes Project 0.00020; gnomAD 0.00027 and 0.00029; TOPMed 0.00029; ESP Exome Variant Server 0.00062.
gnomAD v4.1: 147 of 1,530,194 alleles (0.0096%); highest among the groups gnomAD compares: African/African-American, 0.082%; 1 homozygote.

Submissions (2):

Labcorp Genetics (formerly Invitae), Labcorp
Classification: Benign. Last evaluated: 2025-11-03. Review status: criteria provided, single submitter. Criteria: Invitae Variant Classification Sherloc (09022015). Collection method: clinical testing. Allele origin: germline.

PreventionGenetics, part of Exact Sciences
Classification: Likely benign for LZTS1-related condition. Last evaluated: 2021-07-01. Review status: no assertion criteria provided. Collection method: clinical testing. Allele origin: germline. Not counted in ClinVar's aggregate classification.
Comment: This variant is classified as likely benign based on ACMG/AMP sequence variant interpretation guidelines (Richards et al. 2015 PMID: 25741868, with internal and published modifications).

NM_021020.5(LZTS1):c.1125C>T (p.Pro375=)

Gene: LZTS1 (leucine zipper tumor suppressor 1; minus strand). Cytogenetic location: 8p21.3.
Variant type: single nucleotide variant.
Coding change: c.1125C>T on transcript NM_021020.5 (MANE Select); coding-DNA position 1125, C replaced by T.
Protein change: p.Pro375=; no amino-acid change (proline 375 retained).
Molecular consequence: synonymous variant.
Genome position (GRCh38, 1-based): chr8:20,252,806, G>A on the plus strand (C>T on the coding strand, the complement: LZTS1 is on the minus strand). VCF-style: chr8-20252806-G-A. GRCh37 (hg19) VCF-style: chr8-20110317-G-A.
Other names: c.1125C>T (NM_021020.3); c.1125C>T, p.Pro375= (NM_001362884.2).
Identifiers: ClinVar variation 1600818 (VCV001600818.10), dbSNP rs146193718, ClinGen allele CA4657361.